The following is an entry in ClinVar:

NM_000391.4(TPP1):c.89+5_89+9del

Genes: TPP1 (tripeptidyl peptidase 1; minus strand), LOC130005207 (ATAC-STARR-seq lymphoblastoid silent region 3107; plus strand). Cytogenetic location: 11p15.4.
Variant type: Deletion.
Coding change: c.89+5_89+9del on transcript NM_000391.4 (MANE Select); bases 5 to 9 of the intron after coding-DNA position 89, 5 bases deleted (GTTGA; older notation c.89+5_89+9delGTTGA).
Molecular consequence: splice donor variant.
Genome position (GRCh38, 1-based): chr11:6,619,187-6,619,191, TCAAC deleted on the plus strand (GTTGA on the coding strand, the reverse complement: TPP1 is on the minus strand); deleting any 5 consecutive bases within chr11:6,619,187-6,619,194 gives the same sequence; the c. name uses the placement nearest the transcript's 3' end. VCF-style (leftmost placement, unchanged base first): chr11-6619186-GTCAAC-G. GRCh37 (hg19) VCF-style: chr11-6640417-GTCAAC-G.
Identifiers: ClinVar variation 1473921 (VCV001473921.6), dbSNP rs2134598628, ClinGen allele CA2573147198.

ClinVar aggregate classification (germline): Uncertain significance (1 of 4 stars; one submission).

Submission:

Labcorp Genetics (formerly Invitae), Labcorp
Classification: Uncertain significance. Last evaluated: 2021-09-16. Review status: criteria provided, single submitter. Criteria: Invitae Variant Classification Sherloc (09022015). Collection method: clinical testing. Allele origin: germline.
Comment: Variants that disrupt the consensus splice site are a relatively common cause of aberrant splicing (PMID: 17576681, 9536098). Algorithms developed to predict the effect of sequence changes on RNA splicing suggest that this variant may disrupt the consensus splice site. In summary, the available evidence is currently insufficient to determine the role of this variant in disease. Therefore, it has been classified as a Variant of Uncertain Significance. This variant has not been reported in the literature in individuals affected with TPP1-related conditions. This variant is not present in population databases (ExAC no frequency). This sequence change falls in intron 2 of the TPP1 gene. It does not directly change the encoded amino acid sequence of the TPP1 protein. It affects a nucleotide within the consensus splice site of the intron.

Literature cited by the submitters: PubMed 17576681; PubMed 9536098.